The following is an entry in ClinVar:

ClinVar aggregate classification (germline): Uncertain significance (1 of 4 stars; one submission).

Conditions:
Desbuquois dysplasia 2 (DBQD2). Also called: Baratela-Scott syndrome. Identifiers: Orphanet 1425, MedGen C4014294, MONDO:0014343, OMIM 615777.

gnomAD v4.1: 40 of 1,613,572 alleles (0.0025%); highest among the groups gnomAD compares: Middle Eastern, 0.066%; no homozygotes.

Submission:

Neuberg Centre For Genomic Medicine, NCGM
Classification: Uncertain significance for Desbuquois dysplasia 2. Review status: criteria provided, single submitter. Criteria: ACMG Guidelines, 2015. Collection method: clinical testing. Allele origin: germline. Inheritance: Autosomal recessive inheritance. Affected: yes.
Comment: The c.1153C>T (p.Arg385Cys) missense variant in RAB3GAP2 gene has been submitted to ClinVar as a Variant of Uncertain Significance, but no details are available for independent assessment. It has not been reported in affected individuals. This variant is reported with the allele frequency (0.0007%) in the gnomAD and novel in 1000 genome database. The amino acid Arg at position 385 is changed to a Cys changing protein sequence and it might alter its composition and physico-chemical properties. The amino acid change p.Arg385Cys in RAB3GAP2 is predicted as conserved by GERP++ and PhyloP across 100 vertebrates. For these reasons, this variant has been classified as Variant of Uncertain Significance (VUS).

NM_022166.4(XYLT1):c.2267T>G (p.Phe756Cys)

Gene: XYLT1 (xylosyltransferase 1; minus strand). Cytogenetic location: 16p12.3.
Variant type: single nucleotide variant.
Coding change: c.2267T>G on transcript NM_022166.4 (MANE Select); coding-DNA position 2267, T replaced by G.
Protein change: p.Phe756Cys; replaces phenylalanine 756 with cysteine.
Molecular consequence: missense variant.
Genome position (GRCh38, 1-based): chr16:17,117,936, A>C on the plus strand (T>G on the coding strand, the complement: XYLT1 is on the minus strand). VCF-style: chr16-17117936-A-C. GRCh37 (hg19) VCF-style: chr16-17211793-A-C.
Other names: short protein forms F756C.
Identifiers: ClinVar variation 2584952 (VCV002584952.1), dbSNP rs758010563, ClinGen allele CA7927615.
Genomic context (GRCh38, chr16:17,117,936, plus strand): 5'-GGTCCCTTCCCCCACTTCTGCATACCCACCGGCTCATCCATGGGCCCCAGAAGACCCCCA[A>C]AGTTGCGGAATAGCCTCTCCTTGGCATCCCAGTCAGTGCCGACCTGAAACAGGGGAGTGA-3'
Protein context (NP_071449.1, residues 746-766): WDAKERLFRN[Phe756Cys]GGLLGPMDEP